The following is an entry in ClinVar:

ClinVar aggregate classification (germline): Uncertain significance. Review status: criteria provided, multiple submitters, no conflicts (2 of 4 stars). 2 submissions from 2 submitters: Uncertain significance (2). Last evaluated 2025-02-17.

Conditions:
Malignant hyperthermia, susceptibility to, 5 (MHS5). Also called: CACNA1S-Related Malignant Hyperthermia Susceptibility. Identifiers: Orphanet 423, MedGen C1866077, MONDO:0011163, OMIM 601887.
Hypokalemic periodic paralysis, type 1. Also called: HypoPP; Hypokalemic Periodic Paralysis Type 1 (AD). Identifiers: Orphanet 681, MedGen C3714580, MONDO:0042979, OMIM 170400.

gnomAD v4.1: 1 of 1,613,344 alleles (0.000062%); highest among the groups gnomAD compares: Non-Finnish European, 0.000085%; no homozygotes.

Submissions (2):

Labcorp Genetics (formerly Invitae), Labcorp
Classification: Uncertain significance for Hypokalemic periodic paralysis, type 1; Malignant hyperthermia, susceptibility to, 5. Last evaluated: 2025-02-17. Review status: criteria provided, single submitter. Criteria: Invitae Variant Classification Sherloc (09022015). Collection method: clinical testing. Allele origin: germline.
Comment: This sequence change replaces glutamic acid, which is acidic and polar, with alanine, which is neutral and non-polar, at codon 379 of the CACNA1S protein (p.Glu379Ala). This variant is present in population databases (rs761921972, gnomAD 0.0009%). This variant has not been reported in the literature in individuals affected with CACNA1S-related conditions. ClinVar contains an entry for this variant (Variation ID: 3342404). Invitae Evidence Modeling of protein sequence and biophysical properties (such as structural, functional, and spatial information, amino acid conservation, physicochemical variation, residue mobility, and thermodynamic stability) indicates that this missense variant is not expected to disrupt CACNA1S protein function with a negative predictive value of 95%. In summary, the available evidence is currently insufficient to determine the role of this variant in disease. Therefore, it has been classified as a Variant of Uncertain Significance.

GeneDx
Classification: Uncertain significance. Last evaluated: 2024-10-03. Review status: criteria provided, single submitter. Criteria: GeneDx Variant Classification Process June 2021. Collection method: clinical testing. Allele origin: germline.
Comment: Not observed at significant frequency in large population cohorts (gnomAD); In silico analysis supports that this missense variant has a deleterious effect on protein structure/function; Has not been previously published as pathogenic or benign to our knowledge

NM_000069.3(CACNA1S):c.1136A>C (p.Glu379Ala)

Gene: CACNA1S (calcium voltage-gated channel subunit alpha1 S; minus strand). Cytogenetic location: 1q32.1.
Variant type: single nucleotide variant.
Coding change: c.1136A>C on transcript NM_000069.3 (MANE Select); coding-DNA position 1136, A replaced by C.
Protein change: p.Glu379Ala; replaces glutamic acid 379 with alanine.
Molecular consequence: missense variant.
Genome position (GRCh38, 1-based): chr1:201,085,450, T>G on the plus strand (A>C on the coding strand, the complement: CACNA1S is on the minus strand). VCF-style: chr1-201085450-T-G. GRCh37 (hg19) VCF-style: chr1-201054578-T-G.
Other names: short protein forms E379A.
Identifiers: ClinVar variation 3342404 (VCV003342404.3).